The following is an entry in ClinVar:

NM_004629.2(FANCG):c.1708C>G (p.Leu570Val)

Gene: FANCG (FA complementation group G; minus strand). Cytogenetic location: 9p13.3.
Variant type: single nucleotide variant.
Coding change: c.1708C>G on transcript NM_004629.2 (MANE Select); coding-DNA position 1708, C replaced by G.
Protein change: p.Leu570Val; replaces leucine 570 with valine.
Molecular consequence: missense variant.
Genome position (GRCh38, 1-based): chr9:35,074,423, G>C on the plus strand (C>G on the coding strand, the complement: FANCG is on the minus strand). VCF-style: chr9-35074423-G-C. GRCh37 (hg19) VCF-style: chr9-35074420-G-C.
Other names: short protein forms L570V.
Identifiers: ClinVar variation 4022491 (VCV004022491.1).

ClinVar aggregate classification (germline): Uncertain significance (1 of 4 stars; one submission).

Conditions:
Inborn genetic diseases. Identifiers: MedGen C0950123, MeSH D030342.

Submission:

Ambry Genetics
Classification: Uncertain significance for Inborn genetic diseases. Last evaluated: 2025-04-14. Review status: criteria provided, single submitter. Criteria: Ambry Variant Classification Scheme 2023. Collection method: clinical testing. Allele origin: germline.
Comment: The p.L570V variant (also known as c.1708C>G), located in coding exon 13 of the FANCG gene, results from a C to G substitution at nucleotide position 1708. The leucine at codon 570 is replaced by valine, an amino acid with highly similar properties. This amino acid position is conserved. In addition, this alteration is predicted to be tolerated by in silico analysis. Based on the available evidence, the clinical significance of this variant remains unclear.